The following is an entry in ClinVar:

NC_012920.1(MT-ATP6):m.8619C>T

Gene: MT-ATP6 (mitochondrially encoded ATP synthase 6; plus strand).
Variant type: single nucleotide variant.
Genome position: chrM-8619-C-T.
Identifiers: ClinVar variation 235451 (VCV000235451.3), dbSNP rs878853038, ClinGen allele CA10581314.

ClinVar aggregate classification (germline): Likely benign (1 of 4 stars; one submission).

Submission:

Center for Pediatric Genomic Medicine, Children's Mercy Hospital and Clinics
Classification: Likely benign. Last evaluated: 2015-08-12. Review status: criteria provided, single submitter. Criteria: ACMG Guidelines, 2015. Collection method: clinical testing. Allele origin: germline.
ClinVar note: Converted during submission from Likely Benign to Likely benign.